The following is an entry in ClinVar:

NM_152383.5(DIS3L2):c.2094C>A (p.His698Gln)

Gene: DIS3L2 (DIS3 like 3'-5' exoribonuclease 2; plus strand). Cytogenetic location: 2q37.1.
Variant type: single nucleotide variant.
Coding change: c.2094C>A on transcript NM_152383.5 (MANE Select); coding-DNA position 2094, C replaced by A.
Protein change: p.His698Gln; replaces histidine 698 with glutamine.
Molecular consequence: missense variant. On other transcripts: non-coding transcript variant (2), intron variant (1).
Genome position (GRCh38, 1-based): chr2:232,333,923, C>A. VCF-style: chr2-232333923-C-A. GRCh37 (hg19) VCF-style: chr2-233198633-C-A.
Other names: c.1582-9422C>A (NM_001257281.2); short protein forms H698Q.
Identifiers: ClinVar variation 2815527 (VCV002815527.3), dbSNP rs1319525307, ClinGen allele CA350977464.
Genomic context (GRCh38, chr2:232,333,923, plus strand): 5'-GCTGCTGCAGGACCCAGCGCAGTTCCGGCACTACGCGCTCAATGTGCCCCTGTACACACA[C>A]TTCACCTCGCCCATCCGCCGCTTTGCCGACGTCCTGGTGCACCGCCTCCTGGCTGCCGCG-3'
Protein context (NP_689596.4, residues 688-708): HYALNVPLYT[His698Gln]FTSPIRRFAD

ClinVar aggregate classification (germline): Uncertain significance (1 of 4 stars; one submission).

Conditions:
Perlman syndrome (PRLMNS). Identifiers: Orphanet 2849, MedGen C0796113, MONDO:0009965, OMIM 267000.

Submission:

Labcorp Genetics (formerly Invitae), Labcorp
Classification: Uncertain significance for Perlman syndrome. Last evaluated: 2022-11-30. Review status: criteria provided, single submitter. Criteria: Invitae Variant Classification Sherloc (09022015). Collection method: clinical testing. Allele origin: germline.
Comment: In summary, the available evidence is currently insufficient to determine the role of this variant in disease. Therefore, it has been classified as a Variant of Uncertain Significance. Advanced modeling of protein sequence and biophysical properties (such as structural, functional, and spatial information, amino acid conservation, physicochemical variation, residue mobility, and thermodynamic stability) performed at Invitae indicates that this missense variant is expected to disrupt DIS3L2 protein function. This variant has not been reported in the literature in individuals affected with DIS3L2-related conditions. This variant is not present in population databases (gnomAD no frequency). This sequence change replaces histidine, which is basic and polar, with glutamine, which is neutral and polar, at codon 698 of the DIS3L2 protein (p.His698Gln).